The following is an entry in ClinVar:

NM_000532.5(PCCB):c.1145A>G (p.Asp382Gly)

Gene: PCCB (propionyl-CoA carboxylase subunit beta; plus strand). Cytogenetic location: 3q22.3.
Variant type: single nucleotide variant.
Coding change: c.1145A>G on transcript NM_000532.5 (MANE Select); coding-DNA position 1145, A replaced by G.
Protein change: p.Asp382Gly; replaces aspartic acid 382 with glycine.
Molecular consequence: missense variant.
Genome position (GRCh38, 1-based): chr3:136,326,857, A>G. VCF-style: chr3-136326857-A-G. GRCh37 (hg19) VCF-style: chr3-136045699-A-G.
Other names: c.1205A>G, p.Asp402Gly (NM_001178014.2); short protein forms D382G, D402G.
Identifiers: ClinVar variation 1517231 (VCV001517231.6), dbSNP rs201138170, ClinGen allele CA83819687.

ClinVar aggregate classification (germline): Uncertain significance. Review status: criteria provided, multiple submitters, no conflicts (2 of 4 stars). 2 submissions from 2 submitters: Uncertain significance (2). Last evaluated 2022-09-13.

Conditions:
Propionic acidemia (PROP). Also called: GLYCINEMIA, KETOTIC; HYPERGLYCINEMIA WITH KETOACIDOSIS AND LEUKOPENIA; KETOTIC HYPERGLYCINEMIA. Identifiers: Orphanet 35, MedGen C0268579, MONDO:0011628, OMIM 606054, HP:0003571.

Allele frequency attached by ClinVar (database versions not stated): TOPMed below 0.00001; gnomAD exomes 0.00001.
gnomAD v4.1: 22 of 1,613,414 alleles (0.0014%); highest among the groups gnomAD compares: Non-Finnish European, 0.00076%; no homozygotes.

Submissions (2):

Labcorp Genetics (formerly Invitae), Labcorp
Classification: Uncertain significance for Propionic acidemia. Last evaluated: 2022-09-13. Review status: criteria provided, single submitter. Criteria: Invitae Variant Classification Sherloc (09022015). Collection method: clinical testing. Allele origin: germline.
Comment: This sequence change replaces aspartic acid, which is acidic and polar, with glycine, which is neutral and non-polar, at codon 382 of the PCCB protein (p.Asp382Gly). This variant is present in population databases (rs201138170, gnomAD 0.03%). This variant has not been reported in the literature in individuals affected with PCCB-related conditions. ClinVar contains an entry for this variant (Variation ID: 1517231). Advanced modeling of protein sequence and biophysical properties (such as structural, functional, and spatial information, amino acid conservation, physicochemical variation, residue mobility, and thermodynamic stability) performed at Invitae indicates that this missense variant is expected to disrupt PCCB protein function. This variant disrupts the p.Asp382 amino acid residue in PCCB. Other variant(s) that disrupt this residue have been determined to be pathogenic (PMID: 30274917). This suggests that this residue is clinically significant, and that variants that disrupt this residue are likely to be disease-causing. In summary, the available evidence is currently insufficient to determine the role of this variant in disease. Therefore, it has been classified as a Variant of Uncertain Significance.

Fulgent Genetics
Classification: Uncertain significance for Propionic acidemia. Last evaluated: 2021-09-04. Review status: criteria provided, single submitter. Criteria: ACMG Guidelines, 2015. Collection method: clinical testing. Allele origin: unknown.

Literature cited by the submitters: PubMed 30274917 (cited by Labcorp Genetics (formerly Invitae), Labcorp).